The following is an entry in ClinVar:

NM_004982.4(KCNJ8):c.138G>T (p.Ala46=)

Genes: KCNJ8 (potassium inwardly rectifying channel subfamily J member 8; minus strand), KCNJ8-AS1 (KCNJ8 antisense RNA 1; plus strand). Cytogenetic location: 12p12.1.
Variant type: single nucleotide variant.
Coding change: c.138G>T on transcript NM_004982.4 (MANE Select); coding-DNA position 138, G replaced by T.
Protein change: p.Ala46=; no amino-acid change (alanine 46 retained).
Molecular consequence: synonymous variant.
Genome position (GRCh38, 1-based): chr12:21,773,479, C>A on the plus strand (G>T on the coding strand, the complement: KCNJ8 is on the minus strand). VCF-style: chr12-21773479-C-A. GRCh37 (hg19) VCF-style: chr12-21926413-C-A.
Identifiers: ClinVar variation 388964 (VCV000388964.12), dbSNP rs568067955, ClinGen allele CA6480727.
Genomic context (GRCh38, chr12:21,773,479, plus strand): 5'-GTCCACCAAGGTGGTGAAGATGTCCTGTAGAAAGCGTCCTTGCTCACGGATGTTCTTATG[C>A]GCCAGGTTGCAGGCCCCGCTCTTGGCGATGAAGCGGGCTTTGGGGAGGCGGTCTCGGATG-3'
Protein context (NP_004973.1, residues 36-56): FIAKSGACNL[Ala46=]HKNIREQGRF

ClinVar aggregate classification (germline): Likely benign. Review status: criteria provided, multiple submitters, no conflicts (2 of 4 stars). 3 submissions from 3 submitters: Likely benign (3). Last evaluated 2025-07-13.

Conditions:
Cardiovascular phenotype. Identifiers: MedGen CN230736.
Brugada syndrome. Also called: Sudden unexplained nocturnal death syndrome; Sudden Unexplained Death Syndrome; Sudden Unexplained Nocturnal Death Syndrome (SUNDS); Sudden unexpected nocturnal death syndrome. Identifiers: Orphanet 130, MedGen C1142166, MONDO:0015263.

Allele frequency attached by ClinVar (database versions not stated): 1000 Genomes Project 0.00060; 1000 Genomes Project 30x 0.00078; gnomAD 0.00007 and 0.00008; TOPMed 0.00009.
gnomAD v4.1: 36 of 1,614,264 alleles (0.0022%); highest among the groups gnomAD compares: African/African-American, 0.025%; no homozygotes.

Submissions (3):

Labcorp Genetics (formerly Invitae), Labcorp
Classification: Likely benign for Brugada syndrome. Last evaluated: 2025-07-13. Review status: criteria provided, single submitter. Criteria: Invitae Variant Classification Sherloc (09022015). Collection method: clinical testing. Allele origin: germline.

Ambry Genetics
Classification: Likely benign for Cardiovascular phenotype. Last evaluated: 2019-04-10. Review status: criteria provided, single submitter. Criteria: Ambry Variant Classification Scheme 2023. Collection method: clinical testing. Allele origin: germline.

GeneDx
Classification: Likely benign. Last evaluated: 2016-08-29. Review status: criteria provided, single submitter. Criteria: GeneDx Variant Classification (06012015). Collection method: clinical testing. Allele origin: germline. Affected: yes.
Comment: This variant is considered likely benign or benign based on one or more of the following criteria: it is a conservative change, it occurs at a poorly conserved position in the protein, it is predicted to be benign by multiple in silico algorithms, and/or has population frequency not consistent with disease.